The following is an entry in ClinVar:

ClinVar aggregate classification (germline): Pathogenic. Review status: criteria provided, multiple submitters, no conflicts (2 of 4 stars). 2 submissions from 2 submitters: Pathogenic (2). Last evaluated 2023-04-15.

Conditions:
Kabuki syndrome. Also called: NIIKAWA-KUROKI SYNDROME; Kabuki make-up syndrome. Identifiers: Orphanet 2322, MedGen C0796004, MONDO:0016512.

Submissions (2):

Labcorp Genetics (formerly Invitae), Labcorp
Classification: Pathogenic for Kabuki syndrome. Last evaluated: 2023-04-15. Review status: criteria provided, single submitter. Criteria: Invitae Variant Classification Sherloc (09022015). Collection method: clinical testing. Allele origin: germline.
Comment: For these reasons, this variant has been classified as Pathogenic. This premature translational stop signal has been observed in individual(s) with Kabuki syndrome (PMID: 29907798). Information on the frequency of this variant in the gnomAD database is not available, as this variant may be reported differently in the database. This sequence change creates a premature translational stop signal (p.Ala2205Asnfs*38) in the KMT2D gene. It is expected to result in an absent or disrupted protein product. Loss-of-function variants in KMT2D are known to be pathogenic (PMID: 22126750).

Genetic Services Laboratory, University of Chicago
Classification: Pathogenic. Last evaluated: 2017-09-12. Review status: criteria provided, single submitter. Criteria: ACMG Guidelines, 2015. Collection method: clinical testing. Allele origin: germline. Affected: yes.

Literature cited by the submitters: PubMed 29907798 (cited by Labcorp Genetics (formerly Invitae), Labcorp); PubMed 22126750 (cited by Labcorp Genetics (formerly Invitae), Labcorp).

NM_003482.4(KMT2D):c.6613delinsAA (p.Ala2205fs)

Gene: KMT2D (lysine methyltransferase 2D; minus strand). Cytogenetic location: 12q13.12.
Variant type: Indel.
Coding change: c.6613delinsAA on transcript NM_003482.4 (MANE Select); coding-DNA position 6613, G replaced by AA.
Protein change: p.Ala2205fs; shifts the reading frame from alanine 2205.
Molecular consequence: frameshift variant.
Genome position (GRCh38, 1-based): chr12:49,041,157, C replaced by TT on the plus strand (G replaced by AA on the coding strand, the reverse complement: KMT2D is on the minus strand). VCF-style: chr12-49041157-C-TT. GRCh37 (hg19) VCF-style: chr12-49434940-C-TT.
Other names: short protein forms A2205fs.
Identifiers: ClinVar variation 1338315 (VCV001338315.7), dbSNP rs2120542630, ClinGen allele CA2573053683.